The following is an entry in ClinVar:

NM_000257.4(MYH7):c.1363T>G (p.Tyr455Asp)

Gene: MYH7 (myosin heavy chain 7; minus strand). Cytogenetic location: 14q11.2.
Variant type: single nucleotide variant.
Coding change: c.1363T>G on transcript NM_000257.4 (MANE Select); coding-DNA position 1363, T replaced by G.
Protein change: p.Tyr455Asp; replaces tyrosine 455 with aspartic acid.
Molecular consequence: missense variant.
Genome position (GRCh38, 1-based): chr14:23,428,999, A>C on the plus strand (T>G on the coding strand, the complement: MYH7 is on the minus strand). VCF-style: chr14-23428999-A-C. GRCh37 (hg19) VCF-style: chr14-23898208-A-C.
Other names: c.1363T>G, p.Tyr455Asp (NM_001407004.1); short protein forms Y455D.
Identifiers: ClinVar variation 4854912 (VCV004854912.1).
Genomic context (GRCh38, chr14:23,428,999, plus strand): 5'-AGGGGTCCCAACTCACATCGAAGATCTCGAAGCCAGCGATGTCCAGGACTCCTATGAAGT[A>C]CTGGCGTGGCTGCTTGGTCTCCAGGGTGGCATTGATGCGCGTCACCATCCAGTTGAACAT-3'
Protein context (NP_000248.2, residues 445-465): ATLETKQPRQ[Tyr455Asp]FIGVLDIAGF

ClinVar aggregate classification (germline): Uncertain significance (1 of 4 stars; one submission).

Conditions:
Hypertrophic cardiomyopathy 1 (CMH1). Also called: Familial hypertrophic cardiomyopathy 1; MYH7-Related Familial Hypertrophic Cardiomyopathy. Identifiers: MedGen C3495498, MONDO:0008647, OMIM 192600.

Submission:

3billion
Classification: Uncertain significance for Hypertrophic cardiomyopathy 1. Last evaluated: 2025-12-08. Review status: criteria provided, single submitter. Criteria: ACMG Guidelines, 2015. Collection method: clinical testing. Allele origin: germline. Affected: yes.
Comment: The variant is not observed in the gnomAD v4.1.0 dataset. Predicted Consequence/Location: The variant is located in a mutational hot spot and/or well-established functional domain in which established pathogenic variants have been reported (PMID: 29300372). In silico tool predictions suggest damaging effect of the variant on gene or gene product [REVEL: 0.85 (>=0.6, sensitivity 0.68 and specificity 0.92); 3Cnet: 0.97 (> 0.75, sensitivity 0.96 and precision 0.92)]. Therefore, this variant is classified as VUS according to the recommendation of ACMG/AMP guideline.